The following is an entry in ClinVar:

ClinVar aggregate classification (germline): Likely benign (0 of 4 stars; one submission).

Conditions:
DISP3-related disorder. Also called: DISP3-related condition.

Allele frequency attached by ClinVar (database versions not stated): ExAC 0.00065; gnomAD 0.00151; ESP Exome Variant Server 0.00173; TOPMed 0.00183; 1000 Genomes Project 30x 0.00234; 1000 Genomes Project 0.00240.
gnomAD v4.1: 541 of 1,612,476 alleles (0.034%); highest among the groups gnomAD compares: African/African-American, 0.56%; 1 homozygote.

Submissions (2):

PreventionGenetics, part of Exact Sciences
Classification: Likely benign for DISP3-related condition. Last evaluated: 2019-05-21. Review status: no assertion criteria provided. Collection method: clinical testing. Allele origin: germline.
Comment: This variant is classified as likely benign based on ACMG/AMP sequence variant interpretation guidelines (Richards et al. 2015 PMID: 25741868, with internal and published modifications).

Dr. Peter K. Rogan Lab, Western University
No classification provided (evidence only). Condition: Uterine corpus endometrial carcinoma. Review status: no classification provided. Collection method: in vitro. Allele origin: not applicable. Functional consequence: retained intron. Not counted in ClinVar's aggregate classification.

NM_020780.2(DISP3):c.3501C>T (p.Cys1167=)

Gene: DISP3 (dispatched RND transporter family member 3; plus strand). Cytogenetic location: 1p36.22.
Variant type: single nucleotide variant.
Coding change: c.3501C>T on transcript NM_020780.2 (MANE Select); coding-DNA position 3501, C replaced by T.
Protein change: p.Cys1167=; no amino-acid change (cysteine 1167 retained).
Molecular consequence: synonymous variant.
Genome position (GRCh38, 1-based): chr1:11,534,506, C>T. VCF-style: chr1-11534506-C-T. GRCh37 (hg19) VCF-style: chr1-11594563-C-T.
Other names: NC_000001.10:g.11594563C>T.
Identifiers: ClinVar variation 3038718 (VCV003038718.3), dbSNP rs146256525, ClinGen allele CA592411.